The following is an entry in ClinVar:

ClinVar aggregate classification (germline): Uncertain significance (1 of 4 stars; one submission).

Allele frequency attached by ClinVar (database versions not stated): gnomAD exomes below 0.00001.
gnomAD v4.1: 3 of 1,613,864 alleles (0.00019%); highest among the groups gnomAD compares: Non-Finnish European, 0.00025%; no homozygotes.

Submission:

Labcorp Genetics (formerly Invitae), Labcorp
Classification: Uncertain significance. Last evaluated: 2023-04-06. Review status: criteria provided, single submitter. Criteria: Invitae Variant Classification Sherloc (09022015). Collection method: clinical testing. Allele origin: germline.
Comment: This variant has not been reported in the literature in individuals affected with ERBB2-related conditions. This variant is not present in population databases (gnomAD no frequency). This sequence change replaces lysine, which is basic and polar, with arginine, which is basic and polar, at codon 831 of the ERBB2 protein (p.Lys831Arg). An algorithm developed to predict the effect of missense changes on protein structure and function (PolyPhen-2) suggests that this variant is likely to be disruptive. In summary, the available evidence is currently insufficient to determine the role of this variant in disease. Therefore, it has been classified as a Variant of Uncertain Significance. Algorithms developed to predict the effect of sequence changes on RNA splicing suggest that this variant may create or strengthen a splice site.

NM_004448.4(ERBB2):c.2492A>G (p.Lys831Arg)

Gene: ERBB2 (erb-b2 receptor tyrosine kinase 2; plus strand). Cytogenetic location: 17q12.
Variant type: single nucleotide variant.
Coding change: c.2492A>G on transcript NM_004448.4 (MANE Select); coding-DNA position 2492, A replaced by G.
Protein change: p.Lys831Arg; replaces lysine 831 with arginine.
Molecular consequence: missense variant. On other transcripts: non-coding transcript variant (1), intron variant (2).
Genome position (GRCh38, 1-based): chr17:39,724,910, A>G. VCF-style: chr17-39724910-A-G. GRCh37 (hg19) VCF-style: chr17-37881163-A-G.
Other names: c.2402A>G, p.Lys801Arg (NM_001005862.3, NM_001382782.1, NM_001382783.1); c.2447A>G, p.Lys816Arg (NM_001289936.2); c.2492A>G, p.Lys831Arg (NM_001289937.2, NM_001382796.1, NM_001382798.1); c.2609A>G, p.Lys870Arg (NM_001382784.1); c.2594A>G, p.Lys865Arg (NM_001382785.1); c.2573A>G, p.Lys858Arg (NM_001382786.1); c.2567A>G, p.Lys856Arg (NM_001382787.1); c.2522A>G, p.Lys841Arg (NM_001382788.1); and 13 more; short protein forms K801R, K865R, K555R, K798R, K816R, K828R, K831R, K485R.
Identifiers: ClinVar variation 3010113 (VCV003010113.3), dbSNP rs2145854302, ClinGen allele CA399303988.